The following is an entry in ClinVar:

ClinVar aggregate classification (germline): Benign. Review status: criteria provided, multiple submitters, no conflicts (2 of 4 stars). 3 submissions from 3 submitters: Benign (3). Last evaluated 2025-12-17.

Conditions:
KLC2-related disorder. Also called: KLC2-related condition.

Allele frequency attached by ClinVar (database versions not stated): gnomAD exomes 0.00081 and 0.00224; ExAC 0.00265; gnomAD 0.00789 and 0.00856; 1000 Genomes Project 0.00919; TOPMed 0.00958; 1000 Genomes Project 30x 0.00968; ESP Exome Variant Server 0.01016.

Submissions (3):

Labcorp Genetics (formerly Invitae), Labcorp
Classification: Benign. Last evaluated: 2025-12-17. Review status: criteria provided, single submitter. Criteria: Invitae Variant Classification Sherloc (09022015). Collection method: clinical testing. Allele origin: germline.

PreventionGenetics, part of Exact Sciences
Classification: Benign for KLC2-related condition. Last evaluated: 2025-07-07. Review status: criteria provided, single submitter. Criteria: ACMG Guidelines, 2015. Collection method: clinical testing. Allele origin: germline.
Comment: This variant is classified as benign based on ACMG/AMP sequence variant interpretation guidelines (Richards et al. 2015 PMID: 25741868, with internal and published modifications).

Breakthrough Genomics
Classification: Benign. Review status: criteria provided, single submitter. Criteria: ACMG Guidelines, 2015. Collection method: not provided. Allele origin: germline. Inheritance: Autosomal recessive inheritance. Affected: yes.

NM_001318734.2(KLC2):c.291G>A (p.Ala97=)

Genes: KLC2 (kinesin light chain 2; plus strand), KLC2-AS1 (KLC2 antisense RNA 1; minus strand). Cytogenetic location: 11q13.2.
Variant type: single nucleotide variant.
Coding change: c.291G>A on transcript NM_001318734.2 (MANE Select); coding-DNA position 291, G replaced by A.
Protein change: p.Ala97=; no amino-acid change (alanine 97 retained).
Molecular consequence: synonymous variant. On other transcripts: intron variant (1).
Genome position (GRCh38, 1-based): chr11:66,261,804, G>A. VCF-style: chr11-66261804-G-A. GRCh37 (hg19) VCF-style: chr11-66029275-G-A.
Other names: c.291G>A, p.Ala97= (NM_001134775.2, NM_001134776.2, NM_022822.3); c.229-319G>A (NM_001134774.2).
Identifiers: ClinVar variation 719746 (VCV000719746.12), dbSNP rs573902, ClinGen allele CA6117040.
Genomic context (GRCh38, chr11:66,261,804, plus strand): 5'-GATCTTGGCATTGTCGAGCCACCTGGGGGCTGTAGAATCAGAGAAGCAGAAGCTGCGGGC[G>A]CAGGTGCGGCGTCTGGTGCAGGAGAACCAGTGGCTGCGTGAGGAGCTGGCGGGGACACAG-3'
Protein context (NP_001305663.1, residues 87-107): AVESEKQKLR[Ala97=]QVRRLVQENQ